The following is an entry in ClinVar:

ClinVar aggregate classification (germline): Conflicting classifications of pathogenicity. Review status: criteria provided, conflicting classifications (1 of 4 stars). 4 submissions from 4 submitters: Uncertain significance (2); Likely benign (1). 1 of the submissions does not count toward it. Last evaluated 2023-10-01.

Conditions:
Retinitis pigmentosa 26 (RP26). Identifiers: Orphanet 791, MedGen C1842127, MONDO:0012024, OMIM 608380.
Retinal dystrophy. Also called: Inherited retinal dystrophy. Identifiers: Orphanet 71862, MedGen C0854723, MeSH D058499, MONDO:0019118, HP:0000556.
Inborn genetic diseases. Identifiers: MedGen C0950123, MeSH D030342.

Allele frequency attached by ClinVar (database versions not stated): ExAC 0.00001; TOPMed 0.00001; gnomAD 0.00002 and 0.00003; gnomAD exomes 0.00002 and 0.00009.
gnomAD v4.1: 137 of 1,609,108 alleles (0.0085%); highest among the groups gnomAD compares: East Asian, 0.3%; no homozygotes.

Submissions (4):

Dept Of Ophthalmology, Nagoya University
Classification: Likely benign for Retinal dystrophy. Last evaluated: 2023-10-01. Review status: criteria provided, single submitter. Criteria: Submitter's publication. Collection method: research. Allele origin: germline. Affected: yes.

Ambry Genetics
Classification: Uncertain significance for Inborn genetic diseases. Last evaluated: 2022-10-26. Review status: criteria provided, single submitter. Criteria: Ambry Variant Classification Scheme 2023. Collection method: clinical testing. Allele origin: germline.

Labcorp Genetics (formerly Invitae), Labcorp
Classification: Uncertain significance. Last evaluated: 2022-07-06. Review status: criteria provided, single submitter. Criteria: Invitae Variant Classification Sherloc (09022015). Collection method: clinical testing. Allele origin: germline.
Comment: This sequence change replaces threonine, which is neutral and polar, with serine, which is neutral and polar, at codon 515 of the CERKL protein (p.Thr515Ser). This variant is present in population databases (rs768292284, gnomAD 0.04%). This variant has not been reported in the literature in individuals affected with CERKL-related conditions. ClinVar contains an entry for this variant (Variation ID: 971532). Algorithms developed to predict the effect of missense changes on protein structure and function (SIFT, PolyPhen-2, Align-GVGD) all suggest that this variant is likely to be tolerated. In summary, the available evidence is currently insufficient to determine the role of this variant in disease. Therefore, it has been classified as a Variant of Uncertain Significance.

Natera, Inc.
Classification: Uncertain significance for Retinitis Pigmentosa 26. Last evaluated: 2020-10-08. Review status: no assertion criteria provided. Collection method: clinical testing. Allele origin: germline. Not counted in ClinVar's aggregate classification.

NM_201548.5(CERKL):c.1466C>G (p.Thr489Ser)

Gene: CERKL (CERK like autophagy regulator; minus strand). Cytogenetic location: 2q31.3.
Variant type: single nucleotide variant.
Coding change: c.1466C>G on transcript NM_201548.5 (MANE Select); coding-DNA position 1466, C replaced by G.
Protein change: p.Thr489Ser; replaces threonine 489 with serine.
Molecular consequence: missense variant. On other transcripts: non-coding transcript variant (2).
Genome position (GRCh38, 1-based): chr2:181,539,164, G>C on the plus strand (C>G on the coding strand, the complement: CERKL is on the minus strand). VCF-style: chr2-181539164-G-C. GRCh37 (hg19) VCF-style: chr2-182403891-G-C.
Other names: c.1544C>G, p.Thr515Ser (NM_001030311.3); c.1127C>G, p.Thr376Ser (NM_001030312.3); c.1259C>G, p.Thr420Ser (NM_001030313.3); c.1412C>G, p.Thr471Ser (NM_001160277.2); short protein forms T376S, T515S, T420S, T471S, T489S.
Identifiers: ClinVar variation 971532 (VCV000971532.7), dbSNP rs768292284, ClinGen allele CA2010416.